The following is an entry in ClinVar:

NM_052947.4(ALPK2):c.1721C>T (p.Pro574Leu)

Gene: ALPK2 (alpha kinase 2; minus strand). Cytogenetic location: 18q21.31.
Variant type: single nucleotide variant.
Coding change: c.1721C>T on transcript NM_052947.4 (MANE Select); coding-DNA position 1721, C replaced by T.
Protein change: p.Pro574Leu; replaces proline 574 with leucine.
Molecular consequence: missense variant.
Genome position (GRCh38, 1-based): chr18:58,579,055, G>A on the plus strand (C>T on the coding strand, the complement: ALPK2 is on the minus strand). VCF-style: chr18-58579055-G-A. GRCh37 (hg19) VCF-style: chr18-56246287-G-A.
Other names: short protein forms P574L.
Identifiers: ClinVar variation 1778770 (VCV001778770.2), dbSNP rs766525021, ClinGen allele CA402560626.

ClinVar aggregate classification (germline): Uncertain significance (1 of 4 stars; one submission).

Submission:

Ambry Genetics
Classification: Uncertain significance. Last evaluated: 2022-04-02. Review status: criteria provided, single submitter. Criteria: Ambry Variant Classification Scheme 2023. Collection method: clinical testing. Allele origin: germline.
Comment: The p.P574L variant (also known as c.1721C>T), located in coding exon 3 of the ALPK2 gene, results from a C to T substitution at nucleotide position 1721. The proline at codon 574 is replaced by leucine, an amino acid with similar properties. This amino acid position is conserved. In addition, this alteration is predicted to be tolerated by in silico analysis. Since supporting evidence is limited at this time, the clinical significance of this alteration remains unclear.